The following is an entry in ClinVar:

ClinVar aggregate classification (germline): Likely benign. Review status: criteria provided, multiple submitters, no conflicts (2 of 4 stars). 2 submissions from 2 submitters: Likely benign (2). Last evaluated 2024-03-01.

Conditions:
Intellectual developmental disorder, autosomal dominant 6, with or without seizures. Also called: Intellectual disability, autosomal dominant 6; GRIN2B-related developmental delay, intellectual disability and autism spectrum disorder. Identifiers: Orphanet 589547, MedGen C3151411, MONDO:0013509, OMIM 613970.
Developmental and epileptic encephalopathy, 27 (DEE27). Also called: GRIN2B-Related Neurodevelopmental Disorder; Epileptic encephalopathy, early infantile, 27. Identifiers: Orphanet 3451, MedGen C4015316, MONDO:0014505, OMIM 616139.

gnomAD v4.1: 1 of 1,614,222 alleles (0.000062%); highest among the groups gnomAD compares: Non-Finnish European, 0.000085%; no homozygotes.

Submissions (2):

CeGaT Center for Human Genetics Tuebingen
Classification: Likely benign. Last evaluated: 2024-03-01. Review status: criteria provided, single submitter. Criteria: CeGaT Center For Human Genetics Tuebingen Variant Classification Criteria Version 2. Collection method: clinical testing. Allele origin: germline. Affected: yes. Observed: 1 variant allele.
Comment: GRIN2B: PM2:Supporting, BP4, BP7

Labcorp Genetics (formerly Invitae), Labcorp
Classification: Likely benign for Developmental and epileptic encephalopathy, 27; Intellectual developmental disorder, autosomal dominant 6, with or without seizures. Last evaluated: 2022-06-27. Review status: criteria provided, single submitter. Criteria: Invitae Variant Classification Sherloc (09022015). Collection method: clinical testing. Allele origin: germline.

NM_000834.5(GRIN2B):c.2826G>T (p.Thr942=)

Gene: GRIN2B (glutamate ionotropic receptor NMDA type subunit 2B; minus strand). Cytogenetic location: 12p13.1.
Variant type: single nucleotide variant.
Coding change: c.2826G>T on transcript NM_000834.5 (MANE Select); coding-DNA position 2826, G replaced by T.
Protein change: p.Thr942=; no amino-acid change (threonine 942 retained).
Molecular consequence: synonymous variant.
Genome position (GRCh38, 1-based): chr12:13,564,412, C>A on the plus strand (G>T on the coding strand, the complement: GRIN2B is on the minus strand). VCF-style: chr12-13564412-C-A. GRCh37 (hg19) VCF-style: chr12-13717346-C-A.
Identifiers: ClinVar variation 1102620 (VCV001102620.29), dbSNP rs140573925, ClinGen allele CA478848432.